The following is an entry in ClinVar:

NM_000111.3(SLC26A3):c.820A>G (p.Ile274Val)

Gene: SLC26A3 (solute carrier family 26 member 3; minus strand). Cytogenetic location: 7q22.3.
Variant type: single nucleotide variant.
Coding change: c.820A>G on transcript NM_000111.3 (MANE Select); coding-DNA position 820, A replaced by G.
Protein change: p.Ile274Val; replaces isoleucine 274 with valine.
Molecular consequence: missense variant.
Genome position (GRCh38, 1-based): chr7:107,787,425, T>C on the plus strand (A>G on the coding strand, the complement: SLC26A3 is on the minus strand). VCF-style: chr7-107787425-T-C. GRCh37 (hg19) VCF-style: chr7-107427870-T-C.
Other names: short protein forms I274V.
Identifiers: ClinVar variation 1960863 (VCV001960863.2), dbSNP rs571663600, ClinGen allele CA4434022.
Genomic context (GRCh38, chr7:107,787,425, plus strand): 5'-ATTCGATTGGAATGGGCACTGGAAGTTTGTCTTTGAAGCGCTGATTTATTTCTTTAACAA[T>C]GGATACAACCAAAAGGACAATCAGAGCTGTCACCAGGTCTGCAATATTAGTCTTCTCTAT-3'
Protein context (NP_000102.1, residues 264-284): TALIVLLVVS[Ile274Val]VKEINQRFKD

ClinVar aggregate classification (germline): Uncertain significance (1 of 4 stars; one submission).

Allele frequency attached by ClinVar (database versions not stated): 1000 Genomes Project 30x 0.00016; 1000 Genomes Project 0.00020; TOPMed below 0.00001; gnomAD 0.00002; ExAC 0.00005.
gnomAD v4.1: 22 of 1,614,018 alleles (0.0014%); highest among the groups gnomAD compares: South Asian, 0.021%; 1 homozygote.

Submission:

Labcorp Genetics (formerly Invitae), Labcorp
Classification: Uncertain significance. Last evaluated: 2022-05-06. Review status: criteria provided, single submitter. Criteria: Invitae Variant Classification Sherloc (09022015). Collection method: clinical testing. Allele origin: germline.
Comment: This sequence change replaces isoleucine, which is neutral and non-polar, with valine, which is neutral and non-polar, at codon 274 of the SLC26A3 protein (p.Ile274Val). This variant is present in population databases (rs571663600, gnomAD 0.02%). This variant has not been reported in the literature in individuals affected with SLC26A3-related conditions. Advanced modeling of protein sequence and biophysical properties (such as structural, functional, and spatial information, amino acid conservation, physicochemical variation, residue mobility, and thermodynamic stability) performed at Invitae indicates that this missense variant is not expected to disrupt SLC26A3 protein function. In summary, the available evidence is currently insufficient to determine the role of this variant in disease. Therefore, it has been classified as a Variant of Uncertain Significance.